The following is an entry in ClinVar:

NM_003047.5(SLC9A1):c.2266G>A (p.Glu756Lys)

Gene: SLC9A1 (solute carrier family 9 member A1; minus strand). Cytogenetic location: 1p36.11.
Variant type: single nucleotide variant.
Coding change: c.2266G>A on transcript NM_003047.5 (MANE Select); coding-DNA position 2266, G replaced by A.
Protein change: p.Glu756Lys; replaces glutamic acid 756 with lysine.
Molecular consequence: missense variant. On other transcripts: non-coding transcript variant (1).
Genome position (GRCh38, 1-based): chr1:27,100,489, C>T on the plus strand (G>A on the coding strand, the complement: SLC9A1 is on the minus strand). VCF-style: chr1-27100489-C-T. GRCh37 (hg19) VCF-style: chr1-27426980-C-T.
Other names: c.2266G>A (NM_003047.3); short protein forms E756K.
Identifiers: ClinVar variation 1933229 (VCV001933229.4), dbSNP rs778021539, ClinGen allele CA710832.

ClinVar aggregate classification (germline): Uncertain significance. Review status: criteria provided, multiple submitters, no conflicts (2 of 4 stars). 2 submissions from 2 submitters: Uncertain significance (2). Last evaluated 2024-01-08.

Allele frequency attached by ClinVar (database versions not stated): ExAC 0.00002.

Submissions (2):

Ambry Genetics
Classification: Uncertain significance. Last evaluated: 2024-01-08. Review status: criteria provided, single submitter. Criteria: Ambry Variant Classification Scheme 2023. Collection method: clinical testing. Allele origin: germline.

Labcorp Genetics (formerly Invitae), Labcorp
Classification: Uncertain significance. Last evaluated: 2023-06-29. Review status: criteria provided, single submitter. Criteria: Invitae Variant Classification Sherloc (09022015). Collection method: clinical testing. Allele origin: germline.
Comment: In summary, the available evidence is currently insufficient to determine the role of this variant in disease. Therefore, it has been classified as a Variant of Uncertain Significance. An algorithm developed to predict the effect of missense changes on protein structure and function (PolyPhen-2) suggests that this variant¬†is likely to be tolerated. ClinVar contains an entry for this variant (Variation ID: 1933229). This variant has not been reported in the literature in individuals affected with SLC9A1-related conditions. This variant is present in population databases (rs778021539, gnomAD 0.004%). This sequence change replaces glutamic acid, which is acidic and polar, with lysine, which is basic and polar, at codon 756 of the SLC9A1 protein (p.Glu756Lys).